The following is an entry in ClinVar:

ClinVar aggregate classification (germline): Uncertain significance (1 of 4 stars; one submission).

Conditions:
COG7 congenital disorder of glycosylation (CDG2E). Also called: CDG IIe; CONGENITAL DISORDER OF GLYCOSYLATION, TYPE IIe. Identifiers: Orphanet 79333, MedGen C2931010, MONDO:0012118, OMIM 608779.

Allele frequency attached by ClinVar (database versions not stated): gnomAD exomes 0.00004; ExAC 0.00007; gnomAD 0.00007 and 0.00008; TOPMed 0.00011; ESP Exome Variant Server 0.00015.
gnomAD v4.1: 38 of 1,614,100 alleles (0.0024%); highest among the groups gnomAD compares: African/African-American, 0.027%; no homozygotes.

Submission:

Labcorp Genetics (formerly Invitae), Labcorp
Classification: Uncertain significance for COG7 congenital disorder of glycosylation. Last evaluated: 2022-08-31. Review status: criteria provided, single submitter. Criteria: Invitae Variant Classification Sherloc (09022015). Collection method: clinical testing. Allele origin: germline.
Comment: This sequence change replaces valine, which is neutral and non-polar, with isoleucine, which is neutral and non-polar, at codon 410 of the COG7 protein (p.Val410Ile). This variant is present in population databases (rs199799595, gnomAD 0.02%). This variant has not been reported in the literature in individuals affected with COG7-related conditions. ClinVar contains an entry for this variant (Variation ID: 1353642). Algorithms developed to predict the effect of missense changes on protein structure and function output the following: SIFT: "Tolerated"; PolyPhen-2: "Benign"; Align-GVGD: "Class C0". The isoleucine amino acid residue is found in multiple mammalian species, which suggests that this missense change does not adversely affect protein function. In summary, the available evidence is currently insufficient to determine the role of this variant in disease. Therefore, it has been classified as a Variant of Uncertain Significance.

NM_153603.4(COG7):c.1228G>A (p.Val410Ile)

Gene: COG7 (component of oligomeric golgi complex 7; minus strand). Cytogenetic location: 16p12.2.
Variant type: single nucleotide variant.
Coding change: c.1228G>A on transcript NM_153603.4 (MANE Select); coding-DNA position 1228, G replaced by A.
Protein change: p.Val410Ile; replaces valine 410 with isoleucine.
Molecular consequence: missense variant.
Genome position (GRCh38, 1-based): chr16:23,417,031, C>T on the plus strand (G>A on the coding strand, the complement: COG7 is on the minus strand). VCF-style: chr16-23417031-C-T. GRCh37 (hg19) VCF-style: chr16-23428352-C-T.
Other names: short protein forms V410I.
Identifiers: ClinVar variation 1353642 (VCV001353642.6), dbSNP rs199799595, ClinGen allele CA7961048.